The following is an entry in ClinVar:

NM_017570.5(OPLAH):c.3062T>C (p.Phe1021Ser)

Gene: OPLAH (5-oxoprolinase, ATP-hydrolysing; minus strand). Cytogenetic location: 8q24.3.
Variant type: single nucleotide variant.
Coding change: c.3062T>C on transcript NM_017570.5 (MANE Select); coding-DNA position 3062, T replaced by C.
Protein change: p.Phe1021Ser; replaces phenylalanine 1021 with serine.
Molecular consequence: missense variant.
Genome position (GRCh38, 1-based): chr8:144,052,857, A>G on the plus strand (T>C on the coding strand, the complement: OPLAH is on the minus strand). VCF-style: chr8-144052857-A-G. GRCh37 (hg19) VCF-style: chr8-145107760-A-G.
Other names: short protein forms F1021S.
Identifiers: ClinVar variation 4985831 (VCV004985831.1).
Genomic context (GRCh38, chr8:144,052,857, plus strand): 5'-CAGCGCAGGCAGTAGATGAGGGCGGACAGGGTTACGGCCCGCGGTGCGTTGAGATTACCA[A>G]ACACCTCCGGCCCAGTGCCGCTGAAGTCAAACACGGCGCTGCCCTGCGCGCCCCGAGGGA-3'
Protein context (NP_060040.1, residues 1011-1031): FDFSGTGPEV[Phe1021Ser]GNLNAPRAVT

ClinVar aggregate classification (germline): Uncertain significance (1 of 4 stars; one submission).

Conditions:
OPLAH-related disorder. Also called: OPLAH-related condition.

gnomAD v4.1: 2 of 1,554,348 alleles (0.00013%); highest among the groups gnomAD compares: Non-Finnish European, 0.00017%; no homozygotes.

Submission:

PreventionGenetics, part of Exact Sciences
Classification: Uncertain significance for OPLAH-related condition. Last evaluated: 2025-07-20. Review status: criteria provided, single submitter. Criteria: ACMG Guidelines, 2015. Collection method: clinical testing. Allele origin: germline.
Comment: The OPLAH c.3062T>C variant is predicted to result in the amino acid substitution p.Phe1021Ser. To our knowledge, this variant has not been reported in the literature. This variant is reported in 0.0016% of alleles in individuals of European (Non-Finnish) descent in gnomAD. At this time, the clinical significance of this variant is uncertain due to the absence of conclusive functional and genetic evidence.